The following is an entry in ClinVar:

ClinVar aggregate classification (germline): Uncertain significance. Review status: criteria provided, multiple submitters, no conflicts (2 of 4 stars). 2 submissions from 2 submitters: Uncertain significance (2). Last evaluated 2020-01-27.

Submissions (2):

Labcorp Genetics (formerly Invitae), Labcorp
Classification: Uncertain significance. Last evaluated: 2020-01-27. Review status: criteria provided, single submitter. Criteria: Invitae Variant Classification Sherloc (09022015). Collection method: clinical testing. Allele origin: germline.
Comment: In summary, the available evidence is currently insufficient to determine the role of this variant in disease. Therefore, it has been classified as a Variant of Uncertain Significance. Algorithms developed to predict the effect of sequence changes on RNA splicing suggest that this variant may disrupt the consensus splice site, but this prediction has not been confirmed by published transcriptional studies. This variant has not been reported in the literature in individuals with PDE6A-related conditions. This variant is not present in population databases (ExAC no frequency). This sequence change falls in intron 8 of the PDE6A gene. It does not directly change the encoded amino acid sequence of the PDE6A protein.

Blueprint Genetics
Classification: Uncertain significance. Last evaluated: 2019-04-15. Review status: criteria provided, single submitter. Criteria: ACMG Guidelines, 2015. Collection method: clinical testing. Allele origin: germline.

NM_000440.3(PDE6A):c.1114-9_1114-5del

Gene: PDE6A (phosphodiesterase 6A; minus strand). Cytogenetic location: 5q32.
Variant type: Deletion.
Coding change: c.1114-9_1114-5del on transcript NM_000440.3 (MANE Select); 9 bases into the intron before coding-DNA position 1114 through 5 bases into the intron before coding-DNA position 1114, 5 bases deleted (CTCTT; older notation c.1114-9_1114-5delCTCTT).
Molecular consequence: intron variant.
Genome position (GRCh38, 1-based): chr5:149,899,529-149,899,533, AAGAG deleted on the plus strand (CTCTT on the coding strand, the reverse complement: PDE6A is on the minus strand); deleting any 5 consecutive bases within chr5:149,899,529-149,899,536 gives the same sequence; the c. name uses the placement nearest the transcript's 3' end. VCF-style (leftmost placement, unchanged base first): chr5-149899528-CAAGAG-C. GRCh37 (hg19) VCF-style: chr5-149279091-CAAGAG-C.
Identifiers: ClinVar variation 866592 (VCV000866592.12), dbSNP rs1561737370, ClinGen allele CA916082789.
Genomic context (GRCh38, chr5:149,899,528, plus strand): 5'-AATCGGCATTGAAAGCACATTTTTAATCATCCATCCAGACTCATCCAGAGGTTCTTTCTA[CAAGAG>C]AAGGGCTAGATTAGGTTTCCTCTTGTTTCAGGCCACAGAGGCAACGATGATAGATTTCAC-3'